The following is an entry in ClinVar:

NM_006885.4(ZFHX3):c.1391AGGAGGAAGAGG[1] (p.Glu468_Glu471del)

Gene: ZFHX3 (zinc finger homeobox 3; minus strand). Cytogenetic location: 16q22.3.
Variant type: Microsatellite.
Coding change: c.1391AGGAGGAAGAGG[1] on transcript NM_006885.4 (MANE Select); one copy of the 12-base unit AGGAGGAAGAGG starting at c.1391; the reference has two copies in a row; one copy, 12 bases deleted.
Protein change: p.Glu468_Glu471del.
Molecular consequence: intron variant (on NM_001164766.2).
Genome position (GRCh38, 1-based): chr16:72,958,732-72,958,743, CCTCTTCCTCCT deleted on the plus strand (AGGAGGAAGAGG on the coding strand, the reverse complement: ZFHX3 is on the minus strand); deleting any 12 consecutive bases within chr16:72,958,732-72,958,757 gives the same sequence; the position shown is the placement nearest the transcript's 3' end. VCF-style (leftmost placement, unchanged base first): chr16-72958731-GCCTCTTCCTCCT-G. GRCh37 (hg19) VCF-style: chr16-72992630-GCCTCTTCCTCCT-G.
Other names: c.1391AGGAGGAAGAGG[1], p.Glu468_Glu471del (NM_001386735.1); c.-23-7778_-23-7767del (NM_001164766.2).
Identifiers: ClinVar variation 4681425 (VCV004681425.5).
Genomic context (GRCh38, chr16:72,958,731, plus strand): 5'-TTGCAACCCTCGTCTTCCTCCTCCTCTTCTTCCTCCTCCTCTTCTTCCTCCTCCTCCTCC[GCCTCTTCCTCCT>G]CCTCTTCCTCCTCCGCCTCCTCTTCGGCTGGCTCTACCTTCTCAGAGAAGCAATCCCCGT-3'

ClinVar aggregate classification (germline): Benign (1 of 4 stars; one submission).

Submission:

CeGaT Center for Human Genetics Tuebingen
Classification: Benign. Last evaluated: 2025-12-01. Review status: criteria provided, single submitter. Criteria: CeGaT Center For Human Genetics Tuebingen Variant Classification Criteria Version 2. Collection method: clinical testing. Allele origin: germline. Affected: yes. Observed: 1 variant allele.
Comment: ZFHX3: BS1, BS2